The following is an entry in ClinVar:

NM_001267550.2(TTN):c.44418C>T (p.Ser14806=)

Gene: TTN (titin; minus strand). Cytogenetic location: 2q31.2.
Variant type: single nucleotide variant.
Coding change: c.44418C>T on transcript NM_001267550.2 (MANE Select); coding-DNA position 44418, C replaced by T.
Protein change: p.Ser14806=; no amino-acid change (serine 14806 retained).
Molecular consequence: synonymous variant.
Genome position (GRCh38, 1-based): chr2:178,629,307, G>A on the plus strand (C>T on the coding strand, the complement: TTN is on the minus strand). VCF-style: chr2-178629307-G-A. GRCh37 (hg19) VCF-style: chr2-179494034-G-A.
Other names: c.39495C>T, p.Ser13165= (NM_001256850.1); c.17223C>T, p.Ser5741= (NM_003319.4); c.36714C>T, p.Ser12238= (NM_133378.4); c.17598C>T, p.Ser5866= (NM_133432.3); c.17799C>T, p.Ser5933= (NM_133437.4).
Identifiers: ClinVar variation 501194 (VCV000501194.32), dbSNP rs368005198, ClinGen allele CA1995651.

ClinVar aggregate classification (germline): Conflicting classifications of pathogenicity. Review status: criteria provided, conflicting classifications (1 of 4 stars). 4 submissions from 4 submitters: Uncertain significance (1); Likely benign (3). Last evaluated 2026-01-25.

Conditions:
TTN-related disorder. Also called: TTN-related condition; TTN-related disease; TTN-related disorders.
Cardiovascular phenotype. Identifiers: MedGen CN230736.
Dilated cardiomyopathy 1G (CMD1G). Identifiers: Orphanet 154, MedGen C1858763, MONDO:0011400, OMIM 604145.
Autosomal recessive limb-girdle muscular dystrophy type 2J (LGMDR10). Also called: Limb-girdle muscular dystrophy, type 2J; MUSCULAR DYSTROPHY, LIMB-GIRDLE, AUTOSOMAL RECESSIVE 10. Identifiers: Orphanet 140922, MedGen C1837342, MONDO:0012127, OMIM 608807.

Allele frequency attached by ClinVar (database versions not stated): gnomAD exomes 0.00001 and 0.00003; ExAC 0.00002; TOPMed 0.00003; gnomAD 0.00004; 1000 Genomes Project 30x 0.00016; ESP Exome Variant Server 0.00016; 1000 Genomes Project 0.00020.
gnomAD v4.1: 52 of 1,612,248 alleles (0.0032%); highest among the groups gnomAD compares: Non-Finnish European, 0.0039%; no homozygotes.

Submissions (4):

Labcorp Genetics (formerly Invitae), Labcorp
Classification: Likely benign for Dilated cardiomyopathy 1G; Autosomal recessive limb-girdle muscular dystrophy type 2J. Last evaluated: 2026-01-25. Review status: criteria provided, single submitter. Criteria: Invitae Variant Classification Sherloc (09022015). Collection method: clinical testing. Allele origin: germline.

PreventionGenetics, part of Exact Sciences
Classification: Likely benign for TTN-related condition. Last evaluated: 2025-09-16. Review status: criteria provided, single submitter. Criteria: ACMG Guidelines, 2015. Collection method: clinical testing. Allele origin: germline.
Comment: This variant is classified as likely benign based on ACMG/AMP sequence variant interpretation guidelines (Richards et al. 2015 PMID: 25741868, with internal and published modifications).

Eurofins Ntd Llc (ga)
Classification: Uncertain significance. Last evaluated: 2017-04-03. Review status: criteria provided, single submitter. Criteria: EGL Classification Definitions 2015. Collection method: clinical testing. Allele origin: germline. Observed: 1 variant allele, 1 heterozygote.

Ambry Genetics
Classification: Likely benign for Cardiovascular phenotype. Last evaluated: 2016-12-16. Review status: criteria provided, single submitter. Criteria: Ambry Variant Classification Scheme 2023. Collection method: clinical testing. Allele origin: germline.